The following is an entry in ClinVar:

NM_005630.3(SLCO2A1):c.861G>A (p.Lys287=)

Gene: SLCO2A1 (solute carrier organic anion transporter family member 2A1; minus strand). Cytogenetic location: 3q22.1.
Variant type: single nucleotide variant.
Coding change: c.861G>A on transcript NM_005630.3 (MANE Select); coding-DNA position 861, G replaced by A.
Protein change: p.Lys287=; no amino-acid change (lysine 287 retained).
Molecular consequence: synonymous variant.
Genome position (GRCh38, 1-based): chr3:133,951,208, C>T on the plus strand (G>A on the coding strand, the complement: SLCO2A1 is on the minus strand). VCF-style: chr3-133951208-C-T. GRCh37 (hg19) VCF-style: chr3-133670052-C-T.
Identifiers: ClinVar variation 4772803 (VCV004772803.1).

ClinVar aggregate classification (germline): Uncertain significance (1 of 4 stars; one submission).

gnomAD v4.1: 1 of 1,614,080 alleles (0.000062%); highest among the groups gnomAD compares: Admixed American, 0.0017%; no homozygotes.

Submission:

Labcorp Genetics (formerly Invitae), Labcorp
Classification: Uncertain significance. Last evaluated: 2025-06-22. Review status: criteria provided, single submitter. Criteria: Invitae Variant Classification Sherloc (09022015). Collection method: clinical testing. Allele origin: germline.
Comment: This sequence change affects codon 287 of the SLCO2A1 mRNA. It is a 'silent' change, meaning that it does not change the encoded amino acid sequence of the SLCO2A1 protein. This variant also falls at the last nucleotide of exon 6, which is part of the consensus splice site for this exon. This variant is present in population databases (no rsID available, gnomAD 0.003%). This variant has not been reported in the literature in individuals affected with SLCO2A1-related conditions. Variants that disrupt the consensus splice site are a relatively common cause of aberrant splicing (PMID: 17576681, 9536098). Algorithms developed to predict the effect of sequence changes on RNA splicing suggest that this variant may disrupt the consensus splice site. In summary, the available evidence is currently insufficient to determine the role of this variant in disease. Therefore, it has been classified as a Variant of Uncertain Significance.

Literature cited by the submitters: PubMed 17576681; PubMed 9536098.